The following is an entry in ClinVar:

NM_004104.5(FASN):c.1227G>C (p.Gln409His)

Gene: FASN (fatty acid synthase; minus strand). Cytogenetic location: 17q25.3.
Variant type: single nucleotide variant.
Coding change: c.1227G>C on transcript NM_004104.5 (MANE Select); coding-DNA position 1227, G replaced by C.
Protein change: p.Gln409His; replaces glutamine 409 with histidine.
Molecular consequence: missense variant.
Genome position (GRCh38, 1-based): chr17:82,091,487, C>G on the plus strand (G>C on the coding strand, the complement: FASN is on the minus strand). VCF-style: chr17-82091487-C-G. GRCh37 (hg19) VCF-style: chr17-80049363-C-G.
Other names: short protein forms Q409H.
Identifiers: ClinVar variation 461999 (VCV000461999.9), dbSNP rs202158849, ClinGen allele CA8853224.
Genomic context (GRCh38, chr17:82,091,487, plus strand): 5'-GCGTCCGCTGGCCCGCAGCAGACGGGGCAGGGTGGCATGTGGGGCGGGTGCGGGGGGCGG[C>G]TGCGTGTTGGGCCTCAGGATGATGTGCACGTTGGAGCCCCCGAAGCCAAAGGAGTTGATG-3'
Protein context (NP_004095.4, residues 399-419): NVHIILRPNT[Gln409His]PPPAPAPHAT

ClinVar aggregate classification (germline): Uncertain significance (1 of 4 stars; one submission).

Conditions:
Epileptic encephalopathy. Identifiers: MedGen C0543888, HP:0200134.

Allele frequency attached by ClinVar (database versions not stated): ExAC 0.00001; gnomAD 0.00031 and 0.00032; 1000 Genomes Project 0.00060; 1000 Genomes Project 30x 0.00062; TOPMed 0.00067.
gnomAD v4.1: 80 of 1,604,674 alleles (0.005%); highest among the groups gnomAD compares: Admixed American, 0.11%; no homozygotes.

Submission:

Labcorp Genetics (formerly Invitae), Labcorp
Classification: Uncertain significance for Epileptic encephalopathy. Last evaluated: 2025-09-08. Review status: criteria provided, single submitter. Criteria: Invitae Variant Classification Sherloc (09022015). Collection method: clinical testing. Allele origin: germline.
Comment: This sequence change replaces glutamine, which is neutral and polar, with histidine, which is basic and polar, at codon 409 of the FASN protein (p.Gln409His). This variant is present in population databases (rs202158849, gnomAD 0.009%). This variant has not been reported in the literature in individuals affected with FASN-related conditions. ClinVar contains an entry for this variant (Variation ID: 461999). An algorithm developed to predict the effect of missense changes on protein structure and function (PolyPhen-2) suggests that this variant is likely to be tolerated. In summary, the available evidence is currently insufficient to determine the role of this variant in disease. Therefore, it has been classified as a Variant of Uncertain Significance.